The following is an entry in ClinVar:

NM_007126.5(VCP):c.553G>A (p.Glu185Lys)

Gene: VCP (valosin containing protein; minus strand). Cytogenetic location: 9p13.3.
Variant type: single nucleotide variant.
Coding change: c.553G>A on transcript NM_007126.5 (MANE Select); coding-DNA position 553, G replaced by A.
Protein change: p.Glu185Lys; replaces glutamic acid 185 with lysine.
Molecular consequence: missense variant.
Genome position (GRCh38, 1-based): chr9:35,065,274, C>T on the plus strand (G>A on the coding strand, the complement: VCP is on the minus strand). VCF-style: chr9-35065274-C-T. GRCh37 (hg19) VCF-style: chr9-35065271-C-T.
Other names: c.418G>A, p.Glu140Lys (NM_001354927.2, NM_001354928.2); short protein forms E185K, E140K.
Identifiers: ClinVar variation 218305 (VCV000218305.15), dbSNP rs864309501, ClinGen allele CA213386.

ClinVar aggregate classification (germline): Likely pathogenic. Review status: criteria provided, multiple submitters, no conflicts (2 of 4 stars). 4 submissions from 4 submitters: Likely pathogenic (3). 1 of the submissions does not count toward it. Last evaluated 2022-11-29.

Conditions:
Frontotemporal dementia and/or amyotrophic lateral sclerosis 6 (FTDALS6). Also called: VCP-Related Amyotrophic Lateral Sclerosis; VCP-Related Amyotrophic Lateral Sclerosis/Frontotemporal Dementia. Identifiers: Orphanet 275872, Orphanet 803, MedGen C5436279, MONDO:0013501, OMIM 613954.
Inclusion body myopathy with Paget disease of bone and frontotemporal dementia. Also called: Inclusion body myopathy with early-onset Paget disease and frontotemporal dementia. Identifiers: Orphanet 52430, MedGen C1833662, MONDO:0000507.
Inborn genetic diseases. Identifiers: MedGen C0950123, MeSH D030342.
Charcot-Marie-Tooth disease type 2Y. Also called: CHARCOT-MARIE-TOOTH DISEASE, AXONAL, AUTOSOMAL DOMINANT, TYPE 2Y; CHARCOT-MARIE-TOOTH NEUROPATHY, TYPE 2Y; Charcot-Marie-Tooth disease, axonal, type 2y. Identifiers: Orphanet 435387, MedGen C5569026, MONDO:0014735, OMIM 616687.

Allele frequency attached by ClinVar (database versions not stated): gnomAD exomes below 0.00001; TOPMed below 0.00001.
gnomAD v4.1: 1 of 1,614,204 alleles (0.000062%); highest among the groups gnomAD compares: Non-Finnish European, 0.000085%; no homozygotes.

Submissions (4):

Labcorp Genetics (formerly Invitae), Labcorp
Classification: Likely pathogenic for Inclusion body myopathy with Paget disease of bone and frontotemporal dementia; Frontotemporal dementia and/or amyotrophic lateral sclerosis 6. Last evaluated: 2022-11-29. Review status: criteria provided, single submitter. Criteria: Invitae Variant Classification Sherloc (09022015). Collection method: clinical testing. Allele origin: germline.
Comment: Advanced modeling of protein sequence and biophysical properties (such as structural, functional, and spatial information, amino acid conservation, physicochemical variation, residue mobility, and thermodynamic stability) performed at Invitae indicates that this missense variant is not expected to disrupt VCP protein function. In summary, the currently available evidence indicates that the variant is pathogenic, but additional data are needed to prove that conclusively. Therefore, this variant has been classified as Likely Pathogenic. Experimental studies have shown that this missense change affects VCP function (PMID: 25125609). ClinVar contains an entry for this variant (Variation ID: 218305). This missense change has been observed in individual(s) with Charcot-Marie-Tooth disease (PMID: 25125609). It has also been observed to segregate with disease in related individuals. This variant is not present in population databases (gnomAD no frequency). This sequence change replaces glutamic acid, which is acidic and polar, with lysine, which is basic and polar, at codon 185 of the VCP protein (p.Glu185Lys).

Ambry Genetics
Classification: Likely pathogenic for Inborn genetic diseases. Last evaluated: 2020-02-24. Review status: criteria provided, single submitter. Criteria: Ambry Variant Classification Scheme 2023. Collection method: clinical testing. Allele origin: germline.
Comment: The p.E185K variant (also known as c.553G>A), located in coding exon 5 of the VCP gene, results from a G to A substitution at nucleotide position 553. The glutamic acid at codon 185 is replaced by lysine, an amino acid with similar properties. This amino acid position is highly conserved in available vertebrate species. In addition, this variant is predicted to be deleterious by in silico analysis. This variant was not reported in population-based cohorts in the Genome Aggregation Database (gnomAD). This variant has been reported to segregate with disease in one family and in-vitro functional studies showed that it resulted in impaired autophagic function (Gonzalez MA et al. Brain, 2014 Nov;137:2897-902). Based on the majority of available evidence to date, this variant is likely to be pathogenic.

Kasturba Medical College, Manipal, Kasturba Medical College, Manipal, Manipal Academy of Higher Education, Manipal, India
Classification: Likely pathogenic for Charcot-Marie-Tooth disease type 2Y. Review status: criteria provided, single submitter. Criteria: ACMG Guidelines, 2015. Collection method: clinical testing. Allele origin: inherited. Inheritance: Autosomal dominant inheritance. Affected: yes.

OMIM
Classification: Pathogenic for CHARCOT-MARIE-TOOTH DISEASE, TYPE 2Y. Last evaluated: 2014-11-01. Review status: no assertion criteria provided. Collection method: literature only. Allele origin: germline. Not counted in ClinVar's aggregate classification.

Literature cited by the submitters: PubMed 25125609 (cited by 3 submitters).